The following is an entry in ClinVar:

ClinVar aggregate classification (germline): Conflicting classifications of pathogenicity. Review status: criteria provided, conflicting classifications (1 of 4 stars). 3 submissions from 3 submitters: Uncertain significance (2); Likely benign (1). Last evaluated 2025-10-09.

Conditions:
Cardiovascular phenotype. Identifiers: MedGen CN230736.
Cardiomyopathy (CMYO). Also called: Cardiomyopathies. Identifiers: Orphanet 167848, MedGen C0878544, MONDO:0004994, HP:0001638. Inheritance: Various modes of inheritance.
Danon disease. Also called: PSEUDOGLYCOGENOSIS II; GSD IIb; LYSOSOMAL GLYCOGEN STORAGE DISEASE WITHOUT ACID MALTASE DEFICIENCY; ANTOPOL DISEASE; Glycogen Storage Disease Type IIb. Identifiers: Orphanet 34587, MedGen C0878677, MONDO:0010281, OMIM 300257.

Allele frequency attached by ClinVar (database versions not stated): gnomAD exomes below 0.00001 and 0.00001.
gnomAD v4.1: 3 of 1,210,287 alleles (0.00025%); highest among the groups gnomAD compares: East Asian, 0.0059%; no homozygotes.

Submissions (3):

Labcorp Genetics (formerly Invitae), Labcorp
Classification: Likely benign for Danon disease. Last evaluated: 2025-10-09. Review status: criteria provided, single submitter. Criteria: Invitae Variant Classification Sherloc (09022015). Collection method: clinical testing. Allele origin: germline.

Ambry Genetics
Classification: Uncertain significance for Cardiovascular phenotype. Last evaluated: 2022-05-27. Review status: criteria provided, single submitter. Criteria: Ambry Variant Classification Scheme 2023. Collection method: clinical testing. Allele origin: germline.
Comment: The p.Y320C variant (also known as c.959A>G), located in coding exon 8 of the LAMP2 gene, results from an A to G substitution at nucleotide position 959. The tyrosine at codon 320 is replaced by cysteine, an amino acid with highly dissimilar properties. Based on data from gnomAD, the G allele has an overall frequency of <0.01% (2/183450) total alleles studied, with 2 hemizygote(s) observed. The highest observed frequency was 0.01% (2/13857) of East Asian alleles. This amino acid position is not well conserved in available vertebrate species. In addition, this alteration is predicted to be tolerated by in silico analysis. Since supporting evidence is limited at this time, the clinical significance of this alteration remains unclear.

CHEO Genetics Diagnostic Laboratory, Children's Hospital of Eastern Ontario
Classification: Uncertain significance for Cardiomyopathy. Last evaluated: 2017-09-07. Review status: criteria provided, single submitter. Criteria: ACMG Guidelines, 2015. Collection method: clinical testing. Allele origin: germline. Study: Canadian Open Genetics Repository.

NM_002294.3(LAMP2):c.959A>G (p.Tyr320Cys)

Gene: LAMP2 (lysosome associated membrane protein 2; minus strand). Cytogenetic location: Xq24.
Variant type: single nucleotide variant.
Coding change: c.959A>G on transcript NM_002294.3 (MANE Select); coding-DNA position 959, A replaced by G.
Protein change: p.Tyr320Cys; replaces tyrosine 320 with cysteine.
Molecular consequence: missense variant.
Genome position (GRCh38, 1-based): chrX:120,441,864, T>C on the plus strand (A>G on the coding strand, the complement: LAMP2 is on the minus strand). VCF-style: chrX-120441864-T-C. GRCh37 (hg19) VCF-style: chrX-119575719-T-C.
Other names: c.959A>G, p.Tyr320Cys (NM_001122606.1, NM_013995.2); short protein forms Y320C.
Identifiers: ClinVar variation 626562 (VCV000626562.12), dbSNP rs1292531971, ClinGen allele CA414400176.
Genomic context (GRCh38, chrX:120,441,864, plus strand): 5'-GACACTGAAACAGTCTGCTCTTTGTTGCACATATAAGAACTTCCCAGGGGGGCATCCCAG[T>C]AGCTGAGATTGTTATTTGCAATGCTGAAAACTTCAAAGAAAAGAAACAGGTTAGTAACTT-3'
Protein context (NP_002285.1, residues 310-330): VFSIANNNLS[Tyr320Cys]WDAPLGSSYM